The following is an entry in ClinVar:

NM_001329943.3(KIAA0586):c.1861A>G (p.Ser621Gly)

Gene: KIAA0586 (KIAA0586; plus strand). Cytogenetic location: 14q23.1.
Variant type: single nucleotide variant.
Coding change: c.1861A>G on transcript NM_001329943.3 (MANE Select); coding-DNA position 1861, A replaced by G.
Protein change: p.Ser621Gly; replaces serine 621 with glycine.
Molecular consequence: missense variant. On other transcripts: intron variant (1).
Genome position (GRCh38, 1-based): chr14:58,460,047, A>G. VCF-style: chr14-58460047-A-G. GRCh37 (hg19) VCF-style: chr14-58926765-A-G.
Other names: c.2020A>G, p.Ser674Gly (NM_001244189.2); c.1816A>G, p.Ser606Gly (NM_001244190.2); c.1606A>G, p.Ser536Gly (NM_001244191.2, NM_001329945.2, NM_001364700.1 and 1 more transcripts); c.1729A>G, p.Ser577Gly (NM_001244192.2); c.1441A>G, p.Ser481Gly (NM_001244193.2); c.1861A>G, p.Ser621Gly (NM_001329944.2, NM_001329946.2, NM_001329947.2); c.1657-939A>G (NM_014749.5); short protein forms S481G, S621G, S577G, S606G, S674G, S536G.
Identifiers: ClinVar variation 2941801 (VCV002941801.3), dbSNP rs2543136134, ClinGen allele CA389871758.
Genomic context (GRCh38, chr14:58,460,047, plus strand): 5'-TCTCAAAAGCAAATAGAAGAGCATTTTAGAAATCTACCTATGAGGGGCATGCCTGCTTCA[A>G]GTTTACAGAAAGAGAGAAAGGAAGTAAGATCCTAATCTGTTCTTTTAACATAATTGTTGT-3'
Protein context (NP_001316872.1, residues 611-631): NLPMRGMPAS[Ser621Gly]LQKERKEGLL

ClinVar aggregate classification (germline): Uncertain significance (1 of 4 stars; one submission).

Conditions:
Joubert syndrome 23 (JBTS23). Identifiers: Orphanet 475, MedGen C4084822, MONDO:0014664, OMIM 616490.
Short-rib thoracic dysplasia 14 with polydactyly (SRTD14). Identifiers: Orphanet 397715, MedGen C4225286, MONDO:0014688, OMIM 616546.

Allele frequency attached by ClinVar (database versions not stated): gnomAD exomes below 0.00001.
gnomAD v4.1: 2 of 1,525,618 alleles (0.00013%); highest among the groups gnomAD compares: Non-Finnish European, 0.00018%; no homozygotes.

Submission:

Labcorp Genetics (formerly Invitae), Labcorp
Classification: Uncertain significance for Joubert syndrome 23; Short-rib thoracic dysplasia 14 with polydactyly. Last evaluated: 2022-11-24. Review status: criteria provided, single submitter. Criteria: Invitae Variant Classification Sherloc (09022015). Collection method: clinical testing. Allele origin: germline.
Comment: This sequence change replaces serine, which is neutral and polar, with glycine, which is neutral and non-polar, at codon 674 of the KIAA0586 protein (p.Ser674Gly). This variant is not present in population databases (gnomAD no frequency). This variant has not been reported in the literature in individuals affected with KIAA0586-related conditions. Advanced modeling of protein sequence and biophysical properties (such as structural, functional, and spatial information, amino acid conservation, physicochemical variation, residue mobility, and thermodynamic stability) performed at Invitae indicates that this missense variant is not expected to disrupt KIAA0586 protein function. In summary, the available evidence is currently insufficient to determine the role of this variant in disease. Therefore, it has been classified as a Variant of Uncertain Significance.